The following is an entry in ClinVar:

NM_000136.3(FANCC):c.107T>C (p.Leu36Pro)

Gene: FANCC (FA complementation group C; minus strand). Cytogenetic location: 9q22.32.
Variant type: single nucleotide variant.
Coding change: c.107T>C on transcript NM_000136.3 (MANE Select); coding-DNA position 107, T replaced by C.
Protein change: p.Leu36Pro; replaces leucine 36 with proline.
Molecular consequence: missense variant.
Genome position (GRCh38, 1-based): chr9:95,249,185, A>G on the plus strand (T>C on the coding strand, the complement: FANCC is on the minus strand). VCF-style: chr9-95249185-A-G. GRCh37 (hg19) VCF-style: chr9-98011467-A-G.
Other names: c.107T>C, p.Leu36Pro (NM_001243743.2, NM_001243744.2); short protein forms L36P.
Identifiers: ClinVar variation 1786140 (VCV001786140.3), dbSNP rs2542860984, ClinGen allele CA374340318.
Genomic context (GRCh38, chr9:95,249,185, plus strand): 5'-ACCATCTCTTTCAAGGCTTCATACATCTTCCTTAGGAACTCCTGGAACTGAGCCACGTGA[A>G]GACAGGTGTCTTGCTGGGTTTCCAAAGTGGAAGCCTGATCCCATACAGAAAGCTTCTGCA-3'
Protein context (NP_000127.2, residues 26-46): STLETQQDTC[Leu36Pro]HVAQFQEFLR

ClinVar aggregate classification (germline): Uncertain significance (1 of 4 stars; one submission).

Conditions:
Hereditary cancer-predisposing syndrome. Also called: Neoplastic Syndromes, Hereditary; Tumor predisposition; Hereditary Cancer Syndrome; Hereditary neoplastic syndrome. Identifiers: Orphanet 140162, MedGen C0027672, MeSH D009386, MONDO:0015356.

Submission:

Ambry Genetics
Classification: Uncertain significance for Hereditary cancer-predisposing syndrome. Last evaluated: 2023-01-12. Review status: criteria provided, single submitter. Criteria: Ambry Variant Classification Scheme 2023. Collection method: clinical testing. Allele origin: germline.
Comment: The p.L36P variant (also known as c.107T>C), located in coding exon 1 of the FANCC gene, results from a T to C substitution at nucleotide position 107. The leucine at codon 36 is replaced by proline, an amino acid with similar properties. This amino acid position is not well conserved in available vertebrate species. In addition, the in silico prediction for this alteration is inconclusive. Since supporting evidence is limited at this time, the clinical significance of this alteration remains unclear.